The following is an entry in ClinVar:

NM_025132.4(WDR19):c.3304_3358+36del

Gene: WDR19 (WD repeat domain 19; plus strand). Cytogenetic location: 4p14.
Variant type: Deletion.
Coding change: c.3304_3358+36del on transcript NM_025132.4 (MANE Select); coding-DNA position 3304 through 36 bases into the intron after coding-DNA position 3358, 91 bases deleted.
Molecular consequence: splice donor variant.
Genome position (GRCh38, 1-based): chr4:39,268,037-39,268,127, 91 bases deleted. GRCh37 (hg19): chr4:39,269,657-39,269,747.
Other names: c.2824_2878+36del (NM_001317924.2).
Identifiers: ClinVar variation 2944824 (VCV002944824.3), dbSNP rs1560557536, ClinGen allele CA550722047.

ClinVar aggregate classification (germline): Likely pathogenic (1 of 4 stars; one submission).

Conditions:
Senior-Loken syndrome 8 (SLSN8). Identifiers: Orphanet 3156, MedGen C4225376, MONDO:0014579, OMIM 616307.
Asphyxiating thoracic dystrophy 5 (SRTD5). Also called: SHORT-RIB THORACIC DYSPLASIA 5 WITH OR WITHOUT POLYDACTYLY; SHORT-RIB THORACIC DYSPLASIA 5 WITHOUT POLYDACTYLY. Identifiers: Orphanet 474, MedGen C3280598, MONDO:0013717, OMIM 614376.

Submission:

Labcorp Genetics (formerly Invitae), Labcorp
Classification: Likely pathogenic for Senior-Loken syndrome 8; Asphyxiating thoracic dystrophy 5. Last evaluated: 2023-10-30. Review status: criteria provided, single submitter. Criteria: Invitae Variant Classification Sherloc (09022015). Collection method: clinical testing. Allele origin: germline.
Comment: This variant results in the deletion of part of exon 30 (c.3304_3358+36del) of the WDR19 gene. It is expected to disrupt RNA splicing. Variants that disrupt the donor or acceptor splice site typically lead to a loss of protein function (PMID: 16199547), and loss-of-function variants in WDR19 are known to be pathogenic (PMID: 22019273, 23559409, 23683095, 26275793, 27241786, 29068549). This variant is present in population databases (no rsID available, gnomAD 0.007%). This variant has not been reported in the literature in individuals affected with WDR19-related conditions. Algorithms developed to predict the effect of sequence changes on RNA splicing suggest that this variant may disrupt the consensus splice site. In summary, the currently available evidence indicates that the variant is pathogenic, but additional data are needed to prove that conclusively. Therefore, this variant has been classified as Likely Pathogenic.

Literature cited by the submitters: PubMed 16199547; PubMed 22019273; PubMed 23559409; PubMed 23683095; PubMed 26275793; PubMed 27241786; PubMed 29068549.